The following is an entry in ClinVar:

NM_000092.5(COL4A4):c.4216+4T>C

Gene: COL4A4 (collagen type IV alpha 4 chain; minus strand). Cytogenetic location: 2q36.3.
Variant type: single nucleotide variant.
Coding change: c.4216+4T>C on transcript NM_000092.5 (MANE Select); 4 bases into the intron after coding-DNA position 4216, T replaced by C.
Molecular consequence: intron variant.
Genome position (GRCh38, 1-based): chr2:227,022,044, A>G on the plus strand (T>C on the coding strand, the complement: COL4A4 is on the minus strand). VCF-style: chr2-227022044-A-G. GRCh37 (hg19) VCF-style: chr2-227886760-A-G.
Identifiers: ClinVar variation 2151395 (VCV002151395.4), dbSNP rs368670146, ClinGen allele CA66552313.
Genomic context (GRCh38, chr2:227,022,044, plus strand): 5'-GATCTAGAATTTCATTTCAGCAATATATCATGAAAATAATGAACAATCAGCATGCGGCTC[A>G]TACCTGGTCCTGAGGGGCCTCTCATTCCAGGGAGCCCCATGGCTCCTTCTGGTCCTCTCA-3'

ClinVar aggregate classification (germline): Uncertain significance. Review status: criteria provided, multiple submitters, no conflicts (2 of 4 stars). 2 submissions from 2 submitters: Uncertain significance (2). Last evaluated 2026-02-10.

Conditions:
Alport syndrome. Also called: Hemorrhagic familial nephritis; Hemorrhagic hereditary nephritis; Congenital hereditary hematuria. Identifiers: Orphanet 63, MedGen C1567741, MONDO:0018965.

Allele frequency attached by ClinVar (database versions not stated): gnomAD 0.00003; TOPMed 0.00004; ESP Exome Variant Server 0.00008.
gnomAD v4.1: 13 of 1,613,634 alleles (0.00081%); highest among the groups gnomAD compares: Admixed American, 0.0067%; no homozygotes.

Submissions (2):

Myriad Genetics, Inc.
Classification: Uncertain significance for Alport syndrome. Last evaluated: 2026-02-10. Review status: criteria provided, single submitter. Criteria: Myriad Autosomal Dominant, Autosomal Recessive and X-Linked Classification Criteria (2023). Collection method: clinical testing. Allele origin: unknown.
Comment: NM_000092.4(COL4A4):c.4216+4T>C is an intronic variant classified as a variant of uncertain significance in the context of Alport syndrome, COL4A4-related. c.4216+4T>C has not been observed in cases with relevant disease. Relevant functional assessments of this variant are not available in the literature. c.4216+4T>C has not been observed in referenced population frequency databases. In summary, there is insufficient evidence to classify NM_000092.4(COL4A4):c.4216+4T>C as pathogenic or benign. Please note: this variant was assessed in the context of healthy population screening.

Labcorp Genetics (formerly Invitae), Labcorp
Classification: Uncertain significance. Last evaluated: 2024-04-02. Review status: criteria provided, single submitter. Criteria: Invitae Variant Classification Sherloc (09022015). Collection method: clinical testing. Allele origin: germline.
Comment: This sequence change falls in intron 44 of the COL4A4 gene. It does not directly change the encoded amino acid sequence of the COL4A4 protein. It affects a nucleotide within the consensus splice site. This variant is not present in population databases (gnomAD no frequency). This variant has not been reported in the literature in individuals affected with COL4A4-related conditions. ClinVar contains an entry for this variant (Variation ID: 2151395). Variants that disrupt the consensus splice site are a relatively common cause of aberrant splicing (PMID: 17576681, 9536098). Algorithms developed to predict the effect of sequence changes on RNA splicing suggest that this variant is not likely to affect RNA splicing. In summary, the available evidence is currently insufficient to determine the role of this variant in disease. Therefore, it has been classified as a Variant of Uncertain Significance.

Literature cited by the submitters: PubMed 17576681 (cited by Labcorp Genetics (formerly Invitae), Labcorp); PubMed 9536098 (cited by Labcorp Genetics (formerly Invitae), Labcorp).